The following is an entry in ClinVar:

NM_198576.4(AGRN):c.95C>T (p.Pro32Leu)

Gene: AGRN (agrin; plus strand). Cytogenetic location: 1p36.33.
Variant type: single nucleotide variant.
Coding change: c.95C>T on transcript NM_198576.4 (MANE Select); coding-DNA position 95, C replaced by T.
Protein change: p.Pro32Leu; replaces proline 32 with leucine.
Molecular consequence: missense variant.
Genome position (GRCh38, 1-based): chr1:1,020,267, C>T. VCF-style: chr1-1020267-C-T. GRCh37 (hg19) VCF-style: chr1-955647-C-T.
Other names: c.95C>T, p.Pro32Leu (NM_001305275.2); short protein forms P32L.
Identifiers: ClinVar variation 1386482 (VCV001386482.7), dbSNP rs1194105483, ClinGen allele CA337810085.
Genomic context (GRCh38, chr1:1,020,267, plus strand): 5'-CGCTGCTGCCGCTCCTTGTGGTGGCCGCGTGCGTCCTGCCCGGAGCCGGCGGGACATGCC[C>T]GGAGCGCGCGCTGGAGCGGCGCGAGGAGGAGGCGAACGTGGTGCTCACCGGGACGGTGGA-3'
Protein context (NP_940978.2, residues 22-42): CVLPGAGGTC[Pro32Leu]ERALERREEE

ClinVar aggregate classification (germline): Uncertain significance (1 of 4 stars; one submission).

Conditions:
Congenital myasthenic syndrome 8. Also called: Myasthenic syndrome, congenital, 8, with pre- and postsynaptic defects; MYASTHENIC SYNDROME, CONGENITAL, DUE TO AGRIN DEFICIENCY. Identifiers: Orphanet 590, MedGen C3808739, MONDO:0014052, OMIM 615120.

Allele frequency attached by ClinVar (database versions not stated): gnomAD 0.00002; gnomAD exomes 0.00001.
gnomAD v4.1: 10 of 1,467,866 alleles (0.00068%); highest among the groups gnomAD compares: South Asian, 0.0026%; no homozygotes.

Submission:

Labcorp Genetics (formerly Invitae), Labcorp
Classification: Uncertain significance for Congenital myasthenic syndrome 8. Last evaluated: 2022-08-09. Review status: criteria provided, single submitter. Criteria: Invitae Variant Classification Sherloc (09022015). Collection method: clinical testing. Allele origin: germline.
Comment: This variant has not been reported in the literature in individuals affected with AGRN-related conditions. This sequence change replaces proline, which is neutral and non-polar, with leucine, which is neutral and non-polar, at codon 32 of the AGRN protein (p.Pro32Leu). The frequency data for this variant in the population databases is considered unreliable, as metrics indicate poor data quality at this position in the gnomAD database. ClinVar contains an entry for this variant (Variation ID: 1386482). Algorithms developed to predict the effect of missense changes on protein structure and function are either unavailable or do not agree on the potential impact of this missense change (SIFT: "Deleterious"; PolyPhen-2: "Not Available"; Align-GVGD: "Class C0"). In summary, the available evidence is currently insufficient to determine the role of this variant in disease. Therefore, it has been classified as a Variant of Uncertain Significance.